The following is an entry in ClinVar:

ClinVar aggregate classification (germline): Uncertain significance (1 of 4 stars; one submission).

Conditions:
Cutis laxa, X-linked (OHS). Also called: EDS IX; Occipital horn syndrome. Identifiers: Orphanet 198, MedGen C0268353, MONDO:0010572, OMIM 304150.
X-linked distal spinal muscular atrophy type 3. Also called: ATP7A-Related Distal Motor Neuropathy; SPINAL MUSCULAR ATROPHY, DISTAL, X-LINKED RECESSIVE; NEURONOPATHY, DISTAL HEREDITARY MOTOR, X-LINKED; NEUROPATHY, DISTAL HEREDITARY MOTOR, X-LINKED. Identifiers: Orphanet 139557, MedGen C1845359, MONDO:0010338, OMIM 300489.
Menkes kinky-hair syndrome (MNK). Also called: Classic Menkes Disease; Copper transport disease; Menkes Disease. Identifiers: Orphanet 565, MedGen C0022716, MONDO:0010651, OMIM 309400.

Submission:

Labcorp Genetics (formerly Invitae), Labcorp
Classification: Uncertain significance for X-linked distal spinal muscular atrophy type 3; Cutis laxa, X-linked; Menkes kinky-hair syndrome. Last evaluated: 2020-12-03. Review status: criteria provided, single submitter. Criteria: Invitae Variant Classification Sherloc (09022015). Collection method: clinical testing. Allele origin: germline.
Comment: This variant is not present in population databases (ExAC no frequency). This sequence change falls in intron 3 of the ATP7A gene. It does not directly change the encoded amino acid sequence of the ATP7A protein. In summary, the available evidence is currently insufficient to determine the role of this variant in disease. Therefore, it has been classified as a Variant of Uncertain Significance. Algorithms developed to predict the effect of sequence changes on RNA splicing suggest that this variant may disrupt the consensus splice site, but this prediction has not been confirmed by published transcriptional studies. This variant has not been reported in the literature in individuals with ATP7A-related conditions.

NM_000052.7(ATP7A):c.611-5A>G

Gene: ATP7A (ATPase copper transporting alpha; plus strand). Cytogenetic location: Xq21.1.
Variant type: single nucleotide variant.
Coding change: c.611-5A>G on transcript NM_000052.7 (MANE Select); 5 bases into the intron before coding-DNA position 611, A replaced by G.
Molecular consequence: intron variant.
Genome position (GRCh38, 1-based): chrX:77,989,228, A>G. VCF-style: chrX-77989228-A-G. GRCh37 (hg19) VCF-style: chrX-77244724-A-G.
Other names: c.611-5A>G (NM_001282224.2).
Identifiers: ClinVar variation 1490715 (VCV001490715.8), dbSNP rs1557231730, ClinGen allele CA2573159556.
Genomic context (GRCh38, chrX:77,989,228, plus strand): 5'-AACAGAATGTTTTCTGAAGTAGCCCAGGAATAACTGAATTAATTATATTTCTTTTTATTA[A>G]CTAGTCTCCCTGGACAATCAAGAAGCTACTATTGTTTATCAACCTCATCTTATCTCAGTA-3'